The following is an entry in ClinVar:

ClinVar aggregate classification (germline): Uncertain significance (1 of 4 stars; one submission).

Submission:

Labcorp Genetics (formerly Invitae), Labcorp
Classification: Uncertain significance. Last evaluated: 2025-11-01. Review status: criteria provided, single submitter. Criteria: Invitae Variant Classification Sherloc (09022015). Collection method: clinical testing. Allele origin: germline.
Comment: This sequence change replaces arginine, which is basic and polar, with proline, which is neutral and non-polar, at codon 205 of the MYO6 protein (p.Arg205Pro). This variant is not present in population databases (gnomAD no frequency). This variant has not been reported in the literature in individuals affected with MYO6-related conditions. Invitae Evidence Modeling of protein sequence and biophysical properties (such as structural, functional, and spatial information, amino acid conservation, physicochemical variation, residue mobility, and thermodynamic stability) indicates that this missense variant is expected to disrupt MYO6 protein function with a positive predictive value of 80%. In summary, the available evidence is currently insufficient to determine the role of this variant in disease. Therefore, it has been classified as a Variant of Uncertain Significance.

NM_004999.4(MYO6):c.614G>C (p.Arg205Pro)

Gene: MYO6 (myosin VI; plus strand). Cytogenetic location: 6q14.1.
Variant type: single nucleotide variant.
Coding change: c.614G>C on transcript NM_004999.4 (MANE Select); coding-DNA position 614, G replaced by C.
Protein change: p.Arg205Pro; replaces arginine 205 with proline.
Molecular consequence: missense variant. On other transcripts: non-coding transcript variant (2).
Genome position (GRCh38, 1-based): chr6:75,840,645, G>C. VCF-style: chr6-75840645-G-C. GRCh37 (hg19) VCF-style: chr6-76550362-G-C.
Other names: c.614G>C, p.Arg205Pro (NM_001300899.2, NM_001368136.1, NM_001368137.1 and 4 more transcripts); c.599G>C, p.Arg200Pro (NM_001368138.1); short protein forms R200P, R205P.
Identifiers: ClinVar variation 4743911 (VCV004743911.1).